The following is an entry in ClinVar:

ClinVar aggregate classification (germline): Uncertain significance. Review status: criteria provided, multiple submitters, no conflicts (2 of 4 stars). 2 submissions from 2 submitters: Uncertain significance (2). Last evaluated 2026-02-19.

Conditions:
Hereditary cancer-predisposing syndrome. Also called: Hereditary neoplastic syndrome; Tumor predisposition; Neoplastic Syndromes, Hereditary; Hereditary Cancer Syndrome. Identifiers: Orphanet 140162, MedGen C0027672, MeSH D009386, MONDO:0015356.

Submissions (2):

Ambry Genetics
Classification: Uncertain significance for Hereditary cancer-predisposing syndrome. Last evaluated: 2026-02-19. Review status: criteria provided, single submitter. Criteria: Ambry Variant Classification Scheme 2023. Collection method: clinical testing. Allele origin: germline.
Comment: The c.789_806dup18 variant (also known as p.A264_P269dup), located in coding exon 3 of the PHOX2B gene, results from an in-frame duplication of 18 nucleotides at nucleotide positions 789 to 806. This results in the duplication of 6 extra residues (AAAGGP) between codons 264 and 269. This amino acid region is well conserved in available vertebrate species. In addition, this variant is predicted to be neutral by in silico analysis (Choi Y et al. PLoS ONE. 2012; 7(10):e46688). Based on the available evidence, the clinical significance of this variant remains unclear.

GeneDx
Classification: Uncertain significance. Last evaluated: 2023-11-13. Review status: criteria provided, single submitter. Criteria: GeneDx Variant Classification Process June 2021. Collection method: clinical testing. Allele origin: germline. Affected: yes.
Comment: In-frame duplication of 6 amino acids in a non-repeat region; Not observed at significant frequency in large population cohorts (gnomAD); Has not been previously published as pathogenic or benign to our knowledge

NM_003924.4(PHOX2B):c.789_806dup (p.Pro269_Gly270insAlaAlaAlaGlyGlyPro)

Gene: PHOX2B (paired like homeobox 2B; minus strand). Cytogenetic location: 4p13.
Variant type: Duplication.
Coding change: c.789_806dup on transcript NM_003924.4 (MANE Select); coding-DNA positions 789 to 806, 18 bases duplicated (GGCTGCGGCTGGGGGCCC).
Protein change: p.Pro269_Gly270insAlaAlaAlaGlyGlyPro.
Genome position (GRCh38, 1-based): chr4:41,745,946-41,745,963, GGGCCCCCAGCCGCAGCC duplicated on the plus strand (GGCTGCGGCTGGGGGCCC on the coding strand, the reverse complement: PHOX2B is on the minus strand). VCF-style (leftmost placement, unchanged base first): chr4-41745945-A-AGGGCCCCCAGCCGCAGCC. GRCh37 (hg19) VCF-style: chr4-41747962-A-AGGGCCCCCAGCCGCAGCC.
Other names: c.789_806dupGGCTGCGGCTGGGGGCCC (NM_003924.3).
Identifiers: ClinVar variation 3364061 (VCV003364061.2).